The following is an entry in ClinVar:

NM_032607.3(CREB3L3):c.1292G>T (p.Gly431Val)

Genes: CREB3L3 (cAMP responsive element binding protein 3 like 3; plus strand), LOC125371455 (Sharpr-MPRA regulatory region 11650; plus strand). Cytogenetic location: 19p13.3.
Variant type: single nucleotide variant.
Coding change: c.1292G>T on transcript NM_032607.3 (MANE Select); coding-DNA position 1292, G replaced by T.
Protein change: p.Gly431Val; replaces glycine 431 with valine.
Molecular consequence: missense variant. On other transcripts: 3 prime UTR variant (1).
Genome position (GRCh38, 1-based): chr19:4,171,875, G>T. VCF-style: chr19-4171875-G-T. GRCh37 (hg19) VCF-style: chr19-4171872-G-T.
Other names: c.1289G>T, p.Gly430Val (NM_001271995.2); c.1286G>T, p.Gly429Val (NM_001271996.2); c.*171G>T (NM_001271997.2); short protein forms G429V, G430V, G431V.
Identifiers: ClinVar variation 4691072 (VCV004691072.1).

ClinVar aggregate classification (germline): Uncertain significance (1 of 4 stars; one submission).

Submission:

Labcorp Genetics (formerly Invitae), Labcorp
Classification: Uncertain significance. Last evaluated: 2025-11-13. Review status: criteria provided, single submitter. Criteria: Invitae Variant Classification Sherloc (09022015). Collection method: clinical testing. Allele origin: germline.
Comment: This sequence change replaces glycine, which is neutral and non-polar, with valine, which is neutral and non-polar, at codon 431 of the CREB3L3 protein (p.Gly431Val). This variant is present in population databases (rs200345987, gnomAD 0.08%), and has an allele count higher than expected for a pathogenic variant. This variant has not been reported in the literature in individuals affected with CREB3L3-related conditions. An algorithm developed to predict the effect of missense changes on protein structure and function outputs the following: PolyPhen-2: "Benign". The valine amino acid residue is found in multiple mammalian species, which suggests that this missense change does not adversely affect protein function. Algorithms developed to predict the effect of sequence changes on RNA splicing suggest that this variant may create or strengthen a splice site. In summary, the available evidence is currently insufficient to determine the role of this variant in disease. Therefore, it has been classified as a Variant of Uncertain Significance.